The following is an entry in ClinVar:

NM_001025616.3(ARHGAP24):c.1039A>G (p.Asn347Asp)

Gene: ARHGAP24 (Rho GTPase activating protein 24; plus strand). Cytogenetic location: 4q21.23.
Variant type: single nucleotide variant.
Coding change: c.1039A>G on transcript NM_001025616.3 (MANE Select); coding-DNA position 1039, A replaced by G.
Protein change: p.Asn347Asp; replaces asparagine 347 with aspartic acid.
Molecular consequence: missense variant.
Genome position (GRCh38, 1-based): chr4:85,994,693, A>G. VCF-style: chr4-85994693-A-G. GRCh37 (hg19) VCF-style: chr4-86915846-A-G.
Other names: c.754A>G, p.Asn252Asp (NM_001042669.2); c.784A>G, p.Asn262Asp (NM_001287805.2); c.460A>G, p.Asn154Asp (NM_001346093.2); c.760A>G, p.Asn254Asp (NM_031305.3); short protein forms N154D, N252D, N254D, N262D, N347D.
Identifiers: ClinVar variation 2630846 (VCV002630846.1), dbSNP rs1740539415, ClinGen allele CA357574526.

ClinVar aggregate classification (germline): Uncertain significance (1 of 4 stars; one submission).

Conditions:
ARHGAP24-related disorder. Also called: ARHGAP24-related condition.

Allele frequency attached by ClinVar (database versions not stated): gnomAD exomes below 0.00001; TOPMed below 0.00001; gnomAD 0.00001.
gnomAD v4.1: 3 of 1,614,016 alleles (0.00019%); highest among the groups gnomAD compares: African/African-American, 0.0013%; no homozygotes.

Submission:

PreventionGenetics, part of Exact Sciences
Classification: Uncertain significance for ARHGAP24-related condition. Last evaluated: 2023-09-20. Review status: criteria provided, single submitter. Criteria: ACMG Guidelines, 2015. Collection method: clinical testing. Allele origin: germline.
Comment: The ARHGAP24 c.1039A>G variant is predicted to result in the amino acid substitution p.Asn347Asp. To our knowledge, this variant has not been reported in the literature or in a large population database, indicating this variant is rare. At this time, the clinical significance of this variant is uncertain due to the absence of conclusive functional and genetic evidence.